The following is an entry in ClinVar:

NC_000001.10:g.(?_183542300)_(183542447_?)del

Gene: NCF2 (neutrophil cytosolic factor 2; minus strand). Cytogenetic location: 1q25.3.
Variant type: Deletion.
Identifiers: ClinVar variation 2423085 (VCV002423085.6).

ClinVar aggregate classification (germline): Pathogenic (1 of 4 stars; one submission).

Conditions:
Granulomatous disease, chronic, autosomal recessive, cytochrome b-positive, type 2. Also called: GRANULOMATOUS DISEASE, CHRONIC, AUTOSOMAL RECESSIVE, 2; Chronic granulomatous disease due to deficiency of NCF-2; CGD, AUTOSOMAL RECESSIVE CYTOCHROME b-POSITIVE, TYPE II; GRANULOMATOUS DISEASE, CHRONIC, DUE TO NCF2 DEFICIENCY; Chronic Granulomatous Disease, Autosomal Recessive, Cytochrome b-Positive, Type II. Identifiers: Orphanet 379, MedGen C1856245, MONDO:0009310, OMIM 233710.

Submission:

Labcorp Genetics (formerly Invitae), Labcorp
Classification: Pathogenic for Granulomatous disease, chronic, autosomal recessive, cytochrome b-positive, type 2. Last evaluated: 2021-11-13. Review status: criteria provided, single submitter. Criteria: Invitae Variant Classification Sherloc (09022015). Collection method: clinical testing. Allele origin: germline.
Comment: This variant is a gross deletion of the genomic region encompassing exon(s) 5 of the NCF2 gene. This variant would be expected to be in-frame, preserving the integrity of the reading frame. For these reasons, this variant has been classified as Pathogenic. Experimental studies have shown that a similar copy number variant affects NCF2 function (PMID: 19953534). Algorithms developed to predict the effect of variants on protein structure and function are not available or were not evaluated for this variant. A similar copy number variant has been observed in individuals with chronic granulomatous disease (PMID: 19953534). It has also been observed to segregate with disease in related individuals.

Literature cited by the submitters: PubMed 19953534.